The following is an entry in ClinVar:

ClinVar aggregate classification (germline): Uncertain significance (1 of 4 stars; one submission).

Allele frequency attached by ClinVar (database versions not stated): TOPMed below 0.00001; gnomAD exomes 0.00001.
gnomAD v4.1: 5 of 1,585,894 alleles (0.00032%); highest among the groups gnomAD compares: Non-Finnish European, 0.00034%; no homozygotes.

Submission:

Labcorp Genetics (formerly Invitae), Labcorp
Classification: Uncertain significance. Last evaluated: 2024-03-25. Review status: criteria provided, single submitter. Criteria: Invitae Variant Classification Sherloc (09022015). Collection method: clinical testing. Allele origin: germline.
Comment: This sequence change replaces alanine, which is neutral and non-polar, with proline, which is neutral and non-polar, at codon 1002 of the CACNA1E protein (p.Ala1002Pro). This variant is present in population databases (no rsID available, gnomAD 0.001%). This variant has not been reported in the literature in individuals affected with CACNA1E-related conditions. ClinVar contains an entry for this variant (Variation ID: 1925471). Advanced modeling of protein sequence and biophysical properties (such as structural, functional, and spatial information, amino acid conservation, physicochemical variation, residue mobility, and thermodynamic stability) performed at Invitae indicates that this missense variant is not expected to disrupt CACNA1E protein function with a negative predictive value of 95%. In summary, the available evidence is currently insufficient to determine the role of this variant in disease. Therefore, it has been classified as a Variant of Uncertain Significance.

NM_001205293.3(CACNA1E):c.3004G>C (p.Ala1002Pro)

Gene: CACNA1E (calcium voltage-gated channel subunit alpha1 E; plus strand). Cytogenetic location: 1q25.3.
Variant type: single nucleotide variant.
Coding change: c.3004G>C on transcript NM_001205293.3 (MANE Select); coding-DNA position 3004, G replaced by C.
Protein change: p.Ala1002Pro; replaces alanine 1002 with proline.
Molecular consequence: missense variant.
Genome position (GRCh38, 1-based): chr1:181,733,492, G>C. VCF-style: chr1-181733492-G-C. GRCh37 (hg19) VCF-style: chr1-181702628-G-C.
Other names: c.3004G>C, p.Ala1002Pro (NM_000721.4); c.2947G>C, p.Ala983Pro (NM_001205294.2); short protein forms A983P, A1002P.
Identifiers: ClinVar variation 1925471 (VCV001925471.5), dbSNP rs1362424829, ClinGen allele CA343620571.
Genomic context (GRCh38, chr1:181,733,492, plus strand): 5'-CACAGGACCAACAGTCTGATGGTGTCCAGAGGCTCCGGGCTGGCAGGAGGCCTTGATGAG[G>C]CTGACACCCCCCTAGTCCTGCCCCATCCTGAGCTGGAAGTGGGGAAGCACGTGGTGCTGA-3'
Protein context (NP_001192222.1, residues 992-1012): GSGLAGGLDE[Ala1002Pro]DTPLVLPHPE